The following is an entry in ClinVar:

NM_001903.5(CTNNA1):c.2273A>G (p.Lys758Arg)

Gene: CTNNA1 (catenin alpha 1; plus strand). Cytogenetic location: 5q31.2.
Variant type: single nucleotide variant.
Coding change: c.2273A>G on transcript NM_001903.5 (MANE Select); coding-DNA position 2273, A replaced by G.
Protein change: p.Lys758Arg; replaces lysine 758 with arginine.
Molecular consequence: missense variant.
Genome position (GRCh38, 1-based): chr5:138,930,910, A>G. VCF-style: chr5-138930910-A-G. GRCh37 (hg19) VCF-style: chr5-138266599-A-G.
Other names: c.824A>G, p.Lys275Arg (NM_001324008.1, NM_001324009.1, NM_001324010.1 and 2 more transcripts); c.1070A>G, p.Lys357Arg (NM_001324011.1); c.920A>G, p.Lys307Arg (NM_001324012.1, NM_001324013.1); c.2273A>G, p.Lys758Arg (NM_001290307.3, NM_001323982.2, NM_001323983.1 and 2 more transcripts); c.1964A>G, p.Lys655Arg (NM_001290309.3); c.1904A>G, p.Lys635Arg (NM_001290310.3); c.1163A>G, p.Lys388Arg (NM_001290312.1, NM_001323987.1, NM_001323988.1 and 17 more transcripts); c.2180A>G, p.Lys727Arg (NM_001323986.2); short protein forms K275R, K357R, K388R, K655R, K727R, K635R, K758R, K307R.
Identifiers: ClinVar variation 1788814 (VCV001788814.4), dbSNP rs2533861394, ClinGen allele CA361133925.

ClinVar aggregate classification (germline): Conflicting classifications of pathogenicity. Review status: criteria provided, conflicting classifications (1 of 4 stars). 2 submissions from 2 submitters: Uncertain significance (1); Likely benign (1). Last evaluated 2024-07-30.

Conditions:
Hereditary cancer-predisposing syndrome. Also called: Hereditary Cancer Syndrome; Hereditary neoplastic syndrome; Tumor predisposition; Neoplastic Syndromes, Hereditary. Identifiers: Orphanet 140162, MedGen C0027672, MeSH D009386, MONDO:0015356.

Submissions (2):

Labcorp Genetics (formerly Invitae), Labcorp
Classification: Uncertain significance. Last evaluated: 2024-07-30. Review status: criteria provided, single submitter. Criteria: Invitae Variant Classification Sherloc (09022015). Collection method: clinical testing. Allele origin: germline.
Comment: This sequence change replaces lysine, which is basic and polar, with arginine, which is basic and polar, at codon 758 of the CTNNA1 protein (p.Lys758Arg). This variant is not present in population databases (gnomAD no frequency). This variant has not been reported in the literature in individuals affected with CTNNA1-related conditions. ClinVar contains an entry for this variant (Variation ID: 1788814). Advanced modeling of protein sequence and biophysical properties (such as structural, functional, and spatial information, amino acid conservation, physicochemical variation, residue mobility, and thermodynamic stability) performed at Invitae indicates that this missense variant is not expected to disrupt CTNNA1 protein function with a negative predictive value of 80%. In summary, the available evidence is currently insufficient to determine the role of this variant in disease. Therefore, it has been classified as a Variant of Uncertain Significance.

Ambry Genetics
Classification: Likely benign for Hereditary cancer-predisposing syndrome. Last evaluated: 2021-01-13. Review status: criteria provided, single submitter. Criteria: Ambry Variant Classification Scheme 2023. Collection method: clinical testing. Allele origin: germline.